The following is an entry in ClinVar:

ClinVar aggregate classification (germline): Likely benign. Review status: criteria provided, single submitter (1 of 4 stars). 2 submissions from 2 submitters: Likely benign (1). 1 of the submissions does not count toward it. Last evaluated 2025-07-30.

Conditions:
GABRB3-related disorder. Also called: GABRB3-related condition.
Epilepsy, childhood absence, susceptibility to, 1. Also called: Epilepsy, childhood absence 1. Identifiers: Orphanet 64280, MedGen C1838604, MONDO:0020759, OMIM 600131.
Epilepsy, childhood absence, susceptibility to, 5. Identifiers: Orphanet 64280, MedGen C2677087, MONDO:0012843, OMIM 612269.

Allele frequency attached by ClinVar (database versions not stated): gnomAD exomes 0.00001; gnomAD 0.00001; TOPMed 0.00001.
gnomAD v4.1: 10 of 1,613,942 alleles (0.00062%); highest among the groups gnomAD compares: African/African-American, 0.0027%; no homozygotes.

Submissions (2):

Labcorp Genetics (formerly Invitae), Labcorp
Classification: Likely benign for Epilepsy, childhood absence, susceptibility to, 5; Epilepsy, childhood absence, susceptibility to, 1. Last evaluated: 2025-07-30. Review status: criteria provided, single submitter. Criteria: Invitae Variant Classification Sherloc (09022015). Collection method: clinical testing. Allele origin: germline.

PreventionGenetics, part of Exact Sciences
Classification: Likely benign for GABRB3-related condition. Last evaluated: 2022-06-09. Review status: no assertion criteria provided. Collection method: clinical testing. Allele origin: germline. Not counted in ClinVar's aggregate classification.
Comment: This variant is classified as likely benign based on ACMG/AMP sequence variant interpretation guidelines (Richards et al. 2015 PMID: 25741868, with internal and published modifications).

NM_000814.6(GABRB3):c.498G>A (p.Arg166=)

Gene: GABRB3 (gamma-aminobutyric acid type A receptor subunit beta3; minus strand). Cytogenetic location: 15q12.
Variant type: single nucleotide variant.
Coding change: c.498G>A on transcript NM_000814.6 (MANE Select); coding-DNA position 498, G replaced by A.
Protein change: p.Arg166=; no amino-acid change (arginine 166 retained).
Molecular consequence: synonymous variant.
Genome position (GRCh38, 1-based): chr15:26,583,378, C>T on the plus strand (G>A on the coding strand, the complement: GABRB3 is on the minus strand). VCF-style: chr15-26583378-C-T. GRCh37 (hg19) VCF-style: chr15-26828525-C-T.
Other names: c.243G>A, p.Arg81= (NM_001191320.2, NM_001278631.2); c.285G>A, p.Arg95= (NM_001191321.3); c.498G>A, p.Arg166= (NM_021912.5); c.498G>A (NM_000814.5).
Identifiers: ClinVar variation 1906824 (VCV001906824.7), dbSNP rs754851264, ClinGen allele CA7437427.